The following is an entry in ClinVar:

ClinVar aggregate classification (germline): Uncertain significance (1 of 4 stars; one submission).

Conditions:
MHC class II deficiency. Also called: Bare lymphocyte syndrome 2; BLS, TYPE II. Identifiers: Orphanet 572, MedGen C5447452, MONDO:0008855.

Allele frequency attached by ClinVar (database versions not stated): gnomAD exomes 0.00001; TOPMed 0.00001; ExAC 0.00002; gnomAD 0.00002.
gnomAD v4.1: 17 of 1,611,780 alleles (0.0011%); highest among the groups gnomAD compares: East Asian, 0.0045%; no homozygotes.

Submission:

Labcorp Genetics (formerly Invitae), Labcorp
Classification: Uncertain significance for MHC class II deficiency. Last evaluated: 2019-11-25. Review status: criteria provided, single submitter. Criteria: Invitae Variant Classification Sherloc (09022015). Collection method: clinical testing. Allele origin: germline.
Comment: This sequence change replaces alanine with threonine at codon 301 of the RFX5 protein (p.Ala301Thr). The alanine residue is weakly conserved and there is a small physicochemical difference between alanine and threonine. This variant is present in population databases (rs751882814, ExAC 0.003%). This variant has not been reported in the literature in individuals with RFX5-related conditions. In summary, the available evidence is currently insufficient to determine the role of this variant in disease. Therefore, it has been classified as a Variant of Uncertain Significance. Algorithms developed to predict the effect of missense changes on protein structure and function (SIFT, PolyPhen-2, Align-GVGD) all suggest that this variant is likely to be tolerated, but these predictions have not been confirmed by published functional studies and their clinical significance is uncertain.

NM_001025603.2(RFX5):c.901G>A (p.Ala301Thr)

Gene: RFX5 (regulatory factor X5; minus strand). Cytogenetic location: 1q21.3.
Variant type: single nucleotide variant.
Coding change: c.901G>A on transcript NM_001025603.2 (MANE Select); coding-DNA position 901, G replaced by A.
Protein change: p.Ala301Thr; replaces alanine 301 with threonine.
Molecular consequence: missense variant.
Genome position (GRCh38, 1-based): chr1:151,343,136, C>T on the plus strand (G>A on the coding strand, the complement: RFX5 is on the minus strand). VCF-style: chr1-151343136-C-T. GRCh37 (hg19) VCF-style: chr1-151315612-C-T.
Other names: c.901G>A, p.Ala301Thr (NM_000449.4, NM_001379412.1, NM_001379413.1 and 5 more transcripts); c.781G>A, p.Ala261Thr (NM_001379419.1, NM_001379420.1); short protein forms A301T, A261T.
Identifiers: ClinVar variation 855847 (VCV000855847.9), dbSNP rs751882814, ClinGen allele CA1089710.